The following is an entry in ClinVar:

ClinVar aggregate classification (germline): Pathogenic (1 of 4 stars; one submission).

Conditions:
Nephronophthisis. Also called: Juvenile Nephronophthisis. Identifiers: Orphanet 655, MedGen C0687120, MONDO:0019005, HP:0000090.

Submission:

Labcorp Genetics (formerly Invitae), Labcorp
Classification: Pathogenic for Nephronophthisis. Last evaluated: 2024-09-12. Review status: criteria provided, single submitter. Criteria: Invitae Variant Classification Sherloc (09022015). Collection method: clinical testing. Allele origin: germline.
Comment: This sequence change creates a premature translational stop signal (p.Glu817Argfs*19) in the INVS gene. It is expected to result in an absent or disrupted protein product. Loss-of-function variants in INVS are known to be pathogenic (PMID: 12872123). This variant is present in population databases (rs758373067, gnomAD 0.006%). This variant has not been reported in the literature in individuals affected with INVS-related conditions. For these reasons, this variant has been classified as Pathogenic.

Literature cited by the submitters: PubMed 12872123.

NM_014425.5(INVS):c.2449del (p.Glu817fs)

Gene: INVS (inversin; plus strand). Cytogenetic location: 9q31.1.
Variant type: Deletion.
Coding change: c.2449del on transcript NM_014425.5 (MANE Select); coding-DNA position 2449, one base deleted (G; older notation c.2449delG).
Protein change: p.Glu817fs; shifts the reading frame from glutamic acid 817.
Molecular consequence: frameshift variant. On other transcripts: non-coding transcript variant (1).
Genome position (GRCh38, 1-based): chr9:100,292,706, G deleted; the last of 6 consecutive G bases (chr9:100,292,701-100,292,706); deleting any one gives the same sequence. VCF-style (leftmost placement, unchanged base first): chr9-100292700-CG-C. GRCh37 (hg19) VCF-style: chr9-103054982-CG-C.
Other names: c.2161del, p.Glu721fs (NM_001318381.2); c.1471del, p.Glu491fs (NM_001318382.2); short protein forms E721fs, E491fs, E817fs.
Identifiers: ClinVar variation 3706274 (VCV003706274.2).